The following is an entry in ClinVar:

NM_000245.4(MET):c.883C>T (p.Pro295Ser)

Gene: MET (MET proto-oncogene, receptor tyrosine kinase; plus strand). Cytogenetic location: 7q31.2.
Variant type: single nucleotide variant.
Coding change: c.883C>T on transcript NM_000245.4 (MANE Select); coding-DNA position 883, C replaced by T.
Protein change: p.Pro295Ser; replaces proline 295 with serine.
Molecular consequence: missense variant. On other transcripts: intron variant (1).
Genome position (GRCh38, 1-based): chr7:116,699,967, C>T. VCF-style: chr7-116699967-C-T. GRCh37 (hg19) VCF-style: chr7-116340021-C-T.
Other names: c.883C>T, p.Pro295Ser (NM_001127500.3, NM_001324401.3); c.-91+27390C>T (NM_001324402.2); short protein forms P295S.
Identifiers: ClinVar variation 2702153 (VCV002702153.4), dbSNP rs542103167, ClinGen allele CA164889148.

ClinVar aggregate classification (germline): Uncertain significance. Review status: criteria provided, multiple submitters, no conflicts (2 of 4 stars). 2 submissions from 2 submitters: Uncertain significance (2). Last evaluated 2025-02-21.

Conditions:
Hereditary cancer-predisposing syndrome. Also called: Hereditary neoplastic syndrome; Neoplastic Syndromes, Hereditary; Hereditary Cancer Syndrome; Tumor predisposition. Identifiers: Orphanet 140162, MedGen C0027672, MeSH D009386, MONDO:0015356.
Renal cell carcinoma. Identifiers: Orphanet 217071, MedGen C0007134, MeSH D002292, MONDO:0005086, HP:0005584.

Allele frequency attached by ClinVar (database versions not stated): gnomAD exomes below 0.00001.

Submissions (2):

Ambry Genetics
Classification: Uncertain significance for Hereditary cancer-predisposing syndrome. Last evaluated: 2025-02-21. Review status: criteria provided, single submitter. Criteria: Ambry Variant Classification Scheme 2023. Collection method: clinical testing. Allele origin: germline.
Comment: The p.P295S variant (also known as c.883C>T), located in coding exon 1 of the MET gene, results from a C to T substitution at nucleotide position 883. The proline at codon 295 is replaced by serine, an amino acid with similar properties. This amino acid position is conserved. In addition, the in silico prediction for this alteration is inconclusive. Based on the available evidence, the clinical significance of this variant remains unclear.

Labcorp Genetics (formerly Invitae), Labcorp
Classification: Uncertain significance for Renal cell carcinoma. Last evaluated: 2024-02-16. Review status: criteria provided, single submitter. Criteria: Invitae Variant Classification Sherloc (09022015). Collection method: clinical testing. Allele origin: germline.
Comment: This sequence change replaces proline, which is neutral and non-polar, with serine, which is neutral and polar, at codon 295 of the MET protein (p.Pro295Ser). This variant is present in population databases (rs542103167, gnomAD 0.0009%). This variant has not been reported in the literature in individuals affected with MET-related conditions. Advanced modeling of protein sequence and biophysical properties (such as structural, functional, and spatial information, amino acid conservation, physicochemical variation, residue mobility, and thermodynamic stability) performed at Invitae indicates that this missense variant is expected to disrupt MET protein function with a positive predictive value of 80%. In summary, the available evidence is currently insufficient to determine the role of this variant in disease. Therefore, it has been classified as a Variant of Uncertain Significance.